The following is an entry in ClinVar:

NM_002878.4(RAD51D):c.482dup (p.Glu162fs)

Genes: RAD51D (RAD51 paralog D; minus strand), RAD51L3-RFFL (RAD51L3-RFFL readthrough; minus strand). Cytogenetic location: 17q12.
Variant type: Duplication.
Coding change: c.482dup on transcript NM_002878.4 (MANE Select); coding-DNA position 482, one base duplicated (C; older notation c.482dupC).
Protein change: p.Glu162fs; shifts the reading frame from glutamic acid 162.
Molecular consequence: frameshift variant. On other transcripts: non-coding transcript variant (3).
Genome position (GRCh38, 1-based): chr17:35,106,480, G duplicated on the plus strand (C on the coding strand, the reverse complement: RAD51D is on the minus strand). VCF-style (leftmost placement, unchanged base first): chr17-35106479-T-TG. GRCh37 (hg19) VCF-style: chr17-33433498-T-TG.
Other names: c.542dup, p.Glu182fs (NM_001142571.2); c.146dup, p.Glu50fs (NM_133629.3); c.482dupC (NM_002878.3); short protein forms E162fs, E182fs, E50fs.
Identifiers: ClinVar variation 1453810 (VCV001453810.7), dbSNP rs2142429748, ClinGen allele CA2573153500.

ClinVar aggregate classification (germline): Pathogenic. Review status: criteria provided, multiple submitters, no conflicts (2 of 4 stars). 3 submissions from 3 submitters: Pathogenic (3). Last evaluated 2024-01-04.

Conditions:
Breast-ovarian cancer, familial, susceptibility to, 4. Identifiers: Orphanet 145, MedGen C3280345, MONDO:0013669, OMIM 614291.
Hereditary cancer-predisposing syndrome. Also called: Tumor predisposition; Neoplastic Syndromes, Hereditary; Hereditary Cancer Syndrome; Hereditary neoplastic syndrome. Identifiers: Orphanet 140162, MedGen C0027672, MeSH D009386, MONDO:0015356.

Submissions (3):

Myriad Genetics, Inc.
Classification: Pathogenic for Breast-ovarian cancer, familial, susceptibility to, 4. Last evaluated: 2024-01-04. Review status: criteria provided, single submitter. Criteria: Myriad Autosomal Dominant, Autosomal Recessive and X-Linked Classification Criteria (2023). Collection method: clinical testing. Allele origin: unknown.
Comment: This variant is considered pathogenic. This variant creates a frameshift predicted to result in premature protein truncation.

Ambry Genetics
Classification: Pathogenic for Hereditary cancer-predisposing syndrome. Last evaluated: 2023-06-20. Review status: criteria provided, single submitter. Criteria: Ambry Variant Classification Scheme 2023. Collection method: clinical testing. Allele origin: germline.
Comment: The c.482dupC pathogenic mutation, located in coding exon 6 of the RAD51D gene, results from a duplication of C at nucleotide position 482, causing a translational frameshift with a predicted alternate stop codon (p.E162Rfs*13). This variant is considered to be rare based on population cohorts in the Genome Aggregation Database (gnomAD). This alteration is expected to result in loss of function by premature protein truncation or nonsense-mediated mRNA decay. As such, this alteration is interpreted as a disease-causing mutation.

Labcorp Genetics (formerly Invitae), Labcorp
Classification: Pathogenic for Breast-ovarian cancer, familial, susceptibility to, 4. Last evaluated: 2021-07-29. Review status: criteria provided, single submitter. Criteria: Invitae Variant Classification Sherloc (09022015). Collection method: clinical testing. Allele origin: germline.
Comment: This sequence change creates a premature translational stop signal (p.Glu162Argfs*13) in the RAD51D gene. It is expected to result in an absent or disrupted protein product. Loss-of-function variants in RAD51D are known to be pathogenic (PMID: 21822267). This variant is not present in population databases (ExAC no frequency). For these reasons, this variant has been classified as Pathogenic. This variant has not been reported in the literature in individuals affected with RAD51D-related conditions.

Literature cited by the submitters: PubMed 21822267 (cited by Labcorp Genetics (formerly Invitae), Labcorp).